The following is an entry in ClinVar:

NM_005045.4(RELN):c.4689C>T (p.Asp1563=)

Gene: RELN (reelin; minus strand). Cytogenetic location: 7q22.1.
Variant type: single nucleotide variant.
Coding change: c.4689C>T on transcript NM_005045.4 (MANE Select); coding-DNA position 4689, C replaced by T.
Protein change: p.Asp1563=; no amino-acid change (aspartic acid 1563 retained).
Molecular consequence: synonymous variant.
Genome position (GRCh38, 1-based): chr7:103,566,659, G>A on the plus strand (C>T on the coding strand, the complement: RELN is on the minus strand). VCF-style: chr7-103566659-G-A. GRCh37 (hg19) VCF-style: chr7-103207106-G-A.
Other names: c.4689C>T, p.Asp1563= (NM_173054.3).
Identifiers: ClinVar variation 710661 (VCV000710661.37), dbSNP rs138694965, ClinGen allele CA4421439.
Genomic context (GRCh38, chr7:103,566,659, plus strand): 5'-ACCATGTTGCGGTTGCCACCATCGAAATGCCGTTGCAGGTGTCTTCGCGTCCTGTGGCAG[G>A]TCAATGGAAATGATCTGTGGTTCCAGGAAGGACATGAAGTCCAACTCTCGAAGCAAATGC-3'
Protein context (NP_005036.2, residues 1553-1573): SFLEPQIISI[Asp1563=]LPQDAKTPAT

ClinVar aggregate classification (germline): Conflicting classifications of pathogenicity. Review status: criteria provided, conflicting classifications (1 of 4 stars). 4 submissions from 4 submitters: Uncertain significance (1); Likely benign (3). Last evaluated 2025-11-07.

Conditions:
Norman-Roberts syndrome (LIS2). Also called: Lissencephaly 2 (Norman-Roberts type). Identifiers: Orphanet 89844, MedGen C0796089, MONDO:0009760, OMIM 257320.
Familial temporal lobe epilepsy 7. Identifiers: Orphanet 101046, MedGen C4225327, MONDO:0014639, OMIM 616436.

Allele frequency attached by ClinVar (database versions not stated): gnomAD exomes 0.00005 and 0.00007; gnomAD 0.00009 and 0.00008; TOPMed 0.00011; ESP Exome Variant Server 0.00023; ExAC 0.00008.
gnomAD v4.1: 97 of 1,614,022 alleles (0.006%); highest among the groups gnomAD compares: Admixed American, 0.01%; no homozygotes.

Submissions (4):

Dasa
Classification: Likely benign. Last evaluated: 2025-11-07. Review status: criteria provided, single submitter. Criteria: DASA Assertion Criteria. Collection method: clinical testing. Allele origin: germline.
Comment: NM_005045.4(RELN):c.4689C>T (p.Asp1563=) is a synonymous variant predicted not to alter the encoded amino acid sequence. The variant context is inconsistent with a known disease-causing mechanism. Computational prediction algorithms are consistent with a benign effect. Therefore, based on the currently available evidence, this variant is classified as likely benign.

Labcorp Genetics (formerly Invitae), Labcorp
Classification: Likely benign for Familial temporal lobe epilepsy 7; Norman-Roberts syndrome. Last evaluated: 2025-09-23. Review status: criteria provided, single submitter. Criteria: Invitae Variant Classification Sherloc (09022015). Collection method: clinical testing. Allele origin: germline.

CeGaT Center for Human Genetics Tuebingen
Classification: Uncertain significance. Last evaluated: 2024-03-01. Review status: criteria provided, single submitter. Criteria: CeGaT Center For Human Genetics Tuebingen Variant Classification Criteria Version 2. Collection method: clinical testing. Allele origin: germline. Affected: yes. Observed: 1 variant allele.
Comment: RELN: PM2:Supporting, BP4

GeneDx
Classification: Likely benign. Last evaluated: 2021-04-16. Review status: criteria provided, single submitter. Criteria: GeneDx Variant Classification Process June 2021. Collection method: clinical testing. Allele origin: germline. Affected: yes.